The following is an entry in ClinVar:

NM_000038.6(APC):c.6503T>C (p.Leu2168Pro)

Gene: APC (APC regulator of Wnt signaling pathway; plus strand). Cytogenetic location: 5q22.2.
Variant type: single nucleotide variant.
Coding change: c.6503T>C on transcript NM_000038.6 (MANE Select); coding-DNA position 6503, T replaced by C.
Protein change: p.Leu2168Pro; replaces leucine 2168 with proline.
Molecular consequence: missense variant. On other transcripts: non-coding transcript variant (2).
Genome position (GRCh38, 1-based): chr5:112,842,097, T>C. VCF-style: chr5-112842097-T-C. GRCh37 (hg19) VCF-style: chr5-112177794-T-C.
Other names: c.6503T>C, p.Leu2168Pro (NM_001407450.1, NM_001127510.3, NM_001354895.2); c.6482T>C, p.Leu2161Pro (NM_001407451.1); c.6473T>C, p.Leu2158Pro (NM_001407452.1); c.6326T>C, p.Leu2109Pro (NM_001407453.1, NM_001354901.2); c.6254T>C, p.Leu2085Pro (NM_001407454.1, NM_001407455.1, NM_001407456.1 and 1 more transcripts); c.6200T>C, p.Leu2067Pro (NM_001407458.1, NM_001407459.1, NM_001407460.1 and 1 more transcripts); c.6116T>C, p.Leu2039Pro (NM_001407467.1, NM_001407469.1); c.5654T>C, p.Leu1885Pro (NM_001407470.1, NM_001354906.2); and 11 more; short protein forms L2008P, L2143P, L2161P, L2178P, L1784P, L1885P, L2067P, L2109P.
Identifiers: ClinVar variation 4843535 (VCV004843535.1).

ClinVar aggregate classification (germline): Uncertain significance (1 of 4 stars; one submission).

Conditions:
Hereditary cancer-predisposing syndrome. Also called: Neoplastic Syndromes, Hereditary; Tumor predisposition; Hereditary Cancer Syndrome; Hereditary neoplastic syndrome. Identifiers: Orphanet 140162, MedGen C0027672, MeSH D009386, MONDO:0015356.

Submission:

Ambry Genetics
Classification: Uncertain significance for Hereditary cancer-predisposing syndrome. Last evaluated: 2026-01-03. Review status: criteria provided, single submitter. Criteria: Ambry Variant Classification Scheme 2023. Collection method: clinical testing. Allele origin: germline.
Comment: The p.L2168P variant (also known as c.6503T>C), located in coding exon 15 of the APC gene, results from a T to C substitution at nucleotide position 6503. The leucine at codon 2168 is replaced by proline, an amino acid with similar properties. This amino acid position is conserved. In addition, in silico predictors for this gene do not accurately predict pathogenicity. Based on the available evidence, the clinical significance of this variant remains unclear.